The following is an entry in ClinVar:

ClinVar aggregate classification (germline): Uncertain significance. Review status: criteria provided, multiple submitters, no conflicts (2 of 4 stars). 2 submissions from 2 submitters: Uncertain significance (2). Last evaluated 2024-07-03.

Conditions:
Hereditary spastic paraplegia 11. Also called: Spastic Paraplegia 11; Spastic paraplegia, mental retardation and thin corpus callosum; Nakamura Osame syndrome; Autosomal recessive hereditary spastic paraplegia, mental impairment, and thin corpus callosum; SPASTIC PARAPLEGIA, AUTOSOMAL RECESSIVE, COMPLICATED, WITH THIN CORPUS CALLOSUM; SPASTIC PARAPLEGIA, AUTOSOMAL RECESSIVE, WITH MENTAL IMPAIRMENT AND THIN CORPUS CALLOSUM. Identifiers: Orphanet 2822, MedGen C1858479, MONDO:0011445, OMIM 604360.

Allele frequency attached by ClinVar (database versions not stated): TOPMed 0.00001; gnomAD exomes below 0.00001 and 0.00001; ExAC 0.00001; gnomAD 0.00001.
gnomAD v4.1: 3 of 1,613,948 alleles (0.00019%); highest among the groups gnomAD compares: Non-Finnish European, 0.00025%; no homozygotes.

Submissions (2):

Mayo Clinic Laboratories, Mayo Clinic
Classification: Uncertain significance. Last evaluated: 2024-07-03. Review status: criteria provided, single submitter. Criteria: ACMG Guidelines, 2015. Collection method: clinical testing. Allele origin: germline. Observed: 1 variant allele.
Comment: PM2

Labcorp Genetics (formerly Invitae), Labcorp
Classification: Uncertain significance for Hereditary spastic paraplegia 11. Last evaluated: 2022-02-22. Review status: criteria provided, single submitter. Criteria: Invitae Variant Classification Sherloc (09022015). Collection method: clinical testing. Allele origin: germline.
Comment: This sequence change replaces leucine, which is neutral and non-polar, with phenylalanine, which is neutral and non-polar, at codon 1316 of the SPG11 protein (p.Leu1316Phe). This variant is present in population databases (rs764652074, gnomAD 0.004%). This variant has not been reported in the literature in individuals affected with SPG11-related conditions. ClinVar contains an entry for this variant (Variation ID: 406535). Algorithms developed to predict the effect of missense changes on protein structure and function are either unavailable or do not agree on the potential impact of this missense change (SIFT: "Deleterious"; PolyPhen-2: "Probably Damaging"; Align-GVGD: "Class C0"). In summary, the available evidence is currently insufficient to determine the role of this variant in disease. Therefore, it has been classified as a Variant of Uncertain Significance.

NM_025137.4(SPG11):c.3946C>T (p.Leu1316Phe)

Gene: SPG11 (SPG11 vesicle trafficking associated, spatacsin; minus strand). Cytogenetic location: 15q21.1.
Variant type: single nucleotide variant.
Coding change: c.3946C>T on transcript NM_025137.4 (MANE Select); coding-DNA position 3946, C replaced by T.
Protein change: p.Leu1316Phe; replaces leucine 1316 with phenylalanine.
Molecular consequence: missense variant.
Genome position (GRCh38, 1-based): chr15:44,598,320, G>A on the plus strand (C>T on the coding strand, the complement: SPG11 is on the minus strand). VCF-style: chr15-44598320-G-A. GRCh37 (hg19) VCF-style: chr15-44890518-G-A.
Other names: p.Leu1316Phe; c.3946C>T, p.Leu1316Phe (NM_001160227.2); short protein forms L1316F.
Identifiers: ClinVar variation 406535 (VCV000406535.7), dbSNP rs764652074, ClinGen allele CA7534811.